The following is an entry in ClinVar:

NM_001374736.1(DST):c.17817C>T (p.His5939=)

Gene: DST (dystonin; minus strand). Cytogenetic location: 6p12.1.
Variant type: single nucleotide variant.
Coding change: c.17817C>T on transcript NM_001374736.1 (MANE Select); coding-DNA position 17817, C replaced by T.
Protein change: p.His5939=; no amino-acid change (histidine 5939 retained).
Molecular consequence: synonymous variant.
Genome position (GRCh38, 1-based): chr6:56,527,598, G>A on the plus strand (C>T on the coding strand, the complement: DST is on the minus strand). VCF-style: chr6-56527598-G-A. GRCh37 (hg19) VCF-style: chr6-56392396-G-A.
Other names: c.11460C>T, p.His3820= (NM_001144769.5); c.11046C>T, p.His3682= (NM_001144770.2); c.17817C>T, p.His5939= (NM_001374722.1); c.16857C>T, p.His5619= (NM_001374729.1); c.10599C>T, p.His3533= (NM_001374730.1); c.17844C>T, p.His5948= (NM_001374734.1); c.10926C>T, p.His3642= (NM_001386100.1, NM_183380.4); c.9948C>T, p.His3316= (NM_015548.5); and 1 more.
Identifiers: ClinVar variation 1106688 (VCV001106688.11), dbSNP rs769643988, ClinGen allele CA3867357.

ClinVar aggregate classification (germline): Likely benign. Review status: criteria provided, multiple submitters, no conflicts (2 of 4 stars). 3 submissions from 3 submitters: Likely benign (2). 1 of the submissions does not count toward it. Last evaluated 2025-04-08.

Conditions:
DST-related disorder. Also called: DST-related condition; DST-related disorders.
Epidermolysis bullosa simplex 3, localized or generalized intermediate, with BP230 deficiency (EBS3). Also called: Epidermolysis bullosa simplex due to BP230 deficiency; Epidermolysis bullosa simplex, autosomal recessive 2. Identifiers: Orphanet 412181, MedGen C3809470, MONDO:0014180, OMIM 615425.
Hereditary sensory and autonomic neuropathy type 6. Also called: HSAN VI; Neuropathy, hereditary sensory and autonomic, type VI. Identifiers: Orphanet 314381, MedGen C3539003, MONDO:0013839, OMIM 614653.

Allele frequency attached by ClinVar (database versions not stated): gnomAD 0.00001; TOPMed 0.00001; ExAC 0.00002; gnomAD exomes 0.00003.
gnomAD v4.1: 20 of 1,613,666 alleles (0.0012%); highest among the groups gnomAD compares: South Asian, 0.0022%; no homozygotes.

Submissions (3):

Labcorp Genetics (formerly Invitae), Labcorp
Classification: Likely benign for Epidermolysis bullosa simplex 3, localized or generalized intermediate, with BP230 deficiency; Hereditary sensory and autonomic neuropathy type 6. Last evaluated: 2025-04-08. Review status: criteria provided, single submitter. Criteria: Invitae Variant Classification Sherloc (09022015). Collection method: clinical testing. Allele origin: germline.

Blueprint Genetics
Classification: Likely benign. Last evaluated: 2024-01-24. Review status: criteria provided, single submitter. Criteria: ACMG Guidelines, 2015. Collection method: clinical testing. Allele origin: germline.

PreventionGenetics, part of Exact Sciences
Classification: Likely benign for DST-related condition. Last evaluated: 2024-07-12. Review status: no assertion criteria provided. Collection method: clinical testing. Allele origin: germline. Not counted in ClinVar's aggregate classification.
Comment: This variant is classified as likely benign based on ACMG/AMP sequence variant interpretation guidelines (Richards et al. 2015 PMID: 25741868, with internal and published modifications).